The following is an entry in ClinVar:

ClinVar aggregate classification (germline): Conflicting classifications of pathogenicity. Review status: criteria provided, conflicting classifications (1 of 4 stars). 15 submissions from 11 submitters: Uncertain significance (11); Likely benign (2). 2 of the submissions do not count toward it. Last evaluated 2026-01-18.

Conditions:
Leber congenital amaurosis 10 (LCA10). Identifiers: Orphanet 65, MedGen C1857821, MONDO:0012723, OMIM 611755.
Meckel syndrome, type 4 (MKS4). Also called: MECKEL-GRUBER SYNDROME, TYPE 4. Identifiers: Orphanet 564, MedGen C1970161, MONDO:0012626, OMIM 611134.
Senior-Loken syndrome 6 (SLSN6). Identifiers: Orphanet 3156, MedGen C1857779, MONDO:0012433, OMIM 610189.
Joubert syndrome 5 (JBTS5). Identifiers: Orphanet 2318, MedGen C1857780, MONDO:0012432, OMIM 610188.
Inborn genetic diseases. Identifiers: MedGen C0950123, MeSH D030342.
Bardet-Biedl syndrome 14 (BBS14). Identifiers: Orphanet 110, MedGen C2673874, MONDO:0014442, OMIM 615991.
Microcephaly. Also called: Microcephaly (disease). Identifiers: MedGen C4551563, MONDO:0001149, HP:0000252.
CEP290-related disorder. Also called: CEP290-related disorders; CEP290-related condition. Identifiers: MedGen CN239314.
Meckel-Gruber syndrome. Also called: GRUBER SYNDROME; DYSENCEPHALIA SPLANCHNOCYSTICA; Dysencephalia splachnocystica. Identifiers: Orphanet 564, MedGen C0265215, MONDO:0018921.
Joubert syndrome. Also called: JOUBERT-BOLTSHAUSER SYNDROME; Familial aplasia of the vermis. Identifiers: Orphanet 475, MedGen C5979921, MONDO:0018772.
Nephronophthisis. Also called: Juvenile Nephronophthisis. Identifiers: Orphanet 655, MedGen C0687120, MONDO:0019005, HP:0000090.
Retinal dystrophy. Also called: Inherited retinal dystrophy. Identifiers: Orphanet 71862, MedGen C0854723, MeSH D058499, MONDO:0019118, HP:0000556.

Allele frequency attached by ClinVar (database versions not stated): gnomAD 0.00005 and 0.00007; TOPMed 0.00016; gnomAD exomes 0.00021; ExAC 0.00022; 1000 Genomes Project 30x 0.00047; 1000 Genomes Project 0.00060.
gnomAD v4.1: 96 of 1,603,130 alleles (0.006%); highest among the groups gnomAD compares: East Asian, 0.18%; no homozygotes.

Submissions (15):

Labcorp Genetics (formerly Invitae), Labcorp
Classification: Likely benign for Joubert syndrome; Meckel-Gruber syndrome; Nephronophthisis. Last evaluated: 2026-01-18. Review status: criteria provided, single submitter. Criteria: Invitae Variant Classification Sherloc (09022015). Collection method: clinical testing. Allele origin: germline.

Ambry Genetics
Classification: Likely benign for Inborn genetic diseases. Last evaluated: 2025-07-10. Review status: criteria provided, single submitter. Criteria: Ambry Variant Classification Scheme 2023. Collection method: clinical testing. Allele origin: germline.

Blueprint Genetics
Classification: Uncertain significance. Last evaluated: 2024-04-04. Review status: criteria provided, single submitter. Criteria: ACMG Guidelines, 2015. Collection method: clinical testing. Allele origin: germline.

Fulgent Genetics
Classification: Uncertain significance for Joubert syndrome 5; Senior-Loken syndrome 6; Meckel syndrome, type 4; Leber congenital amaurosis 10; Bardet-Biedl syndrome 14. Last evaluated: 2024-02-12. Review status: criteria provided, single submitter. Criteria: ACMG Guidelines, 2015. Collection method: clinical testing. Allele origin: germline.

Dept Of Ophthalmology, Nagoya University
Classification: Uncertain significance for Retinal dystrophy. Last evaluated: 2023-10-01. Review status: criteria provided, single submitter. Criteria: Submitter's publication. Collection method: research. Allele origin: germline. Affected: yes.

GeneDx
Classification: Uncertain significance. Last evaluated: 2023-07-19. Review status: criteria provided, single submitter. Criteria: GeneDx Variant Classification Process June 2021. Collection method: clinical testing. Allele origin: germline. Affected: yes.
Comment: In silico analysis supports that this missense variant has a deleterious effect on protein structure/function; Reported with a second variant (phase unknown) in a patient with ataxia in published literature (Hamed et al., 2020); This variant is associated with the following publications: (PMID: 32443735, 31970223)

New York Genome Center
Classification: Uncertain significance for Joubert syndrome 5; Leber congenital amaurosis 10; Meckel syndrome, type 4; Senior-Loken syndrome 6. Last evaluated: 2021-12-10. Review status: criteria provided, single submitter. Criteria: NYGC Assertion Criteria 2020. Collection method: clinical testing. Allele origin: germline. Observed: 1 heterozygote.

Institute of Human Genetics, Univ. Regensburg, Univ. Regensburg
Classification: Uncertain significance for Retinal dystrophy. Last evaluated: 2019-01-01. Review status: criteria provided, single submitter. Criteria: ACMG Guidelines, 2015. Collection method: clinical testing. Allele origin: germline. Affected: yes.

Illumina Laboratory Services, Illumina
Classification: Uncertain significance for Senior-Loken syndrome 6. Last evaluated: 2018-01-12. Review status: criteria provided, single submitter. Criteria: ICSL Variant Classification Criteria 13 December 2019. Collection method: clinical testing. Allele origin: germline.

Illumina Laboratory Services, Illumina
Classification: Uncertain significance for Joubert syndrome 5. Last evaluated: 2018-01-12. Review status: criteria provided, single submitter. Criteria: ICSL Variant Classification Criteria 13 December 2019. Collection method: clinical testing. Allele origin: germline.

Illumina Laboratory Services, Illumina
Classification: Uncertain significance for Leber congenital amaurosis 10. Last evaluated: 2018-01-12. Review status: criteria provided, single submitter. Criteria: ICSL Variant Classification Criteria 13 December 2019. Collection method: clinical testing. Allele origin: germline.

Illumina Laboratory Services, Illumina
Classification: Uncertain significance for Meckel syndrome, type 4. Last evaluated: 2018-01-12. Review status: criteria provided, single submitter. Criteria: ICSL Variant Classification Criteria 13 December 2019. Collection method: clinical testing. Allele origin: germline.

Illumina Laboratory Services, Illumina
Classification: Uncertain significance for Bardet-Biedl syndrome 14. Last evaluated: 2018-01-12. Review status: criteria provided, single submitter. Criteria: ICSL Variant Classification Criteria 13 December 2019. Collection method: clinical testing. Allele origin: germline.

PreventionGenetics, part of Exact Sciences
Classification: Uncertain significance for CEP290-related condition. Last evaluated: 2024-06-23. Review status: no assertion criteria provided. Collection method: clinical testing. Allele origin: germline. Not counted in ClinVar's aggregate classification.
Comment: The CEP290 c.2174A>C variant is predicted to result in the amino acid substitution p.Glu725Ala. This variant has been reported in the compound heterozygous state in an individual with episodic ataxia (Hamed et al. 2020. PubMed ID: 31970223). This variant is reported in 0.27% of alleles in individuals of East Asian descent in gnomAD, which is more frequent than expected for a pathogenic variant. Although we suspect that this variant may be benign, at this time, the clinical significance of this variant is uncertain due to the absence of conclusive functional and genetic evidence.

Department of Pediatrics, Samsung Medical Center, Samsung Medical Center
Classification: Uncertain significance for Microcephaly. Review status: no assertion criteria provided. Criteria: ACMG Guidelines, 2015. Collection method: research. Allele origin: germline. Affected: yes. Not counted in ClinVar's aggregate classification.

Literature cited by the submitters: PubMed 31970223 (cited by Institute of Human Genetics, Univ. Regensburg, Univ. Regensburg).

NM_025114.4(CEP290):c.2174A>C (p.Glu725Ala)

Gene: CEP290 (centrosomal protein 290; minus strand). Cytogenetic location: 12q21.32.
Variant type: single nucleotide variant.
Coding change: c.2174A>C on transcript NM_025114.4 (MANE Select); coding-DNA position 2174, A replaced by C.
Protein change: p.Glu725Ala; replaces glutamic acid 725 with alanine.
Molecular consequence: missense variant.
Genome position (GRCh38, 1-based): chr12:88,111,737, T>G on the plus strand (A>C on the coding strand, the complement: CEP290 is on the minus strand). VCF-style: chr12-88111737-T-G. GRCh37 (hg19) VCF-style: chr12-88505514-T-G.
Other names: short protein forms E725A.
Identifiers: ClinVar variation 310614 (VCV000310614.31), dbSNP rs375038986, ClinGen allele CA6712389.